The following is an entry in ClinVar:

ClinVar aggregate classification (germline): Conflicting classifications of pathogenicity. Review status: criteria provided, conflicting classifications (1 of 4 stars). 8 submissions from 8 submitters: Uncertain significance (2); Likely benign (4). 2 of the submissions do not count toward it. Last evaluated 2025-10-28.

Allele frequency attached by ClinVar (database versions not stated): TOPMed 0.00057; gnomAD 0.00059 and 0.00060; ESP Exome Variant Server 0.00110; ExAC 0.00119.
gnomAD v4.1: 911 of 1,550,408 alleles (0.059%); highest among the groups gnomAD compares: Middle Eastern, 0.83%; 5 homozygotes.

Submissions (8):

Mayo Clinic Laboratories, Mayo Clinic
Classification: Uncertain significance. Last evaluated: 2025-10-28. Review status: criteria provided, single submitter. Criteria: ACMG Guidelines, 2015. Collection method: clinical testing. Allele origin: germline. Observed: 9 variant alleles.
Comment: BP4, BP5

Labcorp Genetics (formerly Invitae), Labcorp
Classification: Likely benign. Last evaluated: 2025-10-05. Review status: criteria provided, single submitter. Criteria: Invitae Variant Classification Sherloc (09022015). Collection method: clinical testing. Allele origin: germline.

CeGaT Center for Human Genetics Tuebingen
Classification: Uncertain significance. Last evaluated: 2025-05-01. Review status: criteria provided, single submitter. Criteria: CeGaT Center For Human Genetics Tuebingen Variant Classification Criteria Version 2. Collection method: clinical testing. Allele origin: germline. Affected: yes. Observed: 1 variant allele.

Blueprint Genetics
Classification: Likely benign. Last evaluated: 2024-10-28. Review status: criteria provided, single submitter. Criteria: ACMG Guidelines, 2015. Collection method: clinical testing. Allele origin: germline.

ARUP Laboratories, Molecular Genetics and Genomics, ARUP Laboratories
Classification: Likely benign. Last evaluated: 2024-08-20. Review status: criteria provided, single submitter. Criteria: ARUP Molecular Germline Variant Investigation Process 2024. Collection method: clinical testing. Allele origin: germline.

GeneDx
Classification: Likely benign. Last evaluated: 2020-07-08. Review status: criteria provided, single submitter. Criteria: GeneDx Variant Classification Process June 2021. Collection method: clinical testing. Allele origin: germline. Affected: yes.
Comment: In silico analysis supports that this missense variant has a deleterious effect on protein structure/function; Identified via whole exome sequencing in a patient with agammaglobulinemia who also had variants in multiple other genes, including a homozygous nonsense variant in the RAG2 gene that was thought to better explain the clinical features (Ben-Ali et al., 2020); This variant is associated with the following publications: (PMID: 31696364)

Clinical Genetics DNA and cytogenetics Diagnostics Lab, Erasmus MC, Erasmus Medical Center
Classification: Uncertain significance. Review status: no assertion criteria provided. Collection method: clinical testing. Allele origin: germline. Affected: yes. Study: VKGL Data-share Consensus. Not counted in ClinVar's aggregate classification.

Diagnostic Laboratory, Department of Genetics, University Medical Center Groningen
Classification: Uncertain significance. Review status: no assertion criteria provided. Collection method: clinical testing. Allele origin: germline. Affected: yes. Study: VKGL Data-share Consensus. Not counted in ClinVar's aggregate classification.

Literature cited by the submitters: PubMed 34201899 (cited by Mayo Clinic Laboratories, Mayo Clinic); PubMed 36595486 (cited by Mayo Clinic Laboratories, Mayo Clinic); PubMed 36882369 (cited by Mayo Clinic Laboratories, Mayo Clinic).

NM_001142864.4(PIEZO1):c.6205G>A (p.Val2069Met)

Gene: PIEZO1 (piezo type mechanosensitive ion channel component 1 (Er blood group); minus strand). Cytogenetic location: 16q24.3.
Variant type: single nucleotide variant.
Coding change: c.6205G>A on transcript NM_001142864.4 (MANE Select); coding-DNA position 6205, G replaced by A.
Protein change: p.Val2069Met; replaces valine 2069 with methionine.
Molecular consequence: missense variant.
Genome position (GRCh38, 1-based): chr16:88,719,920, C>T on the plus strand (G>A on the coding strand, the complement: PIEZO1 is on the minus strand). VCF-style: chr16-88719920-C-T. GRCh37 (hg19) VCF-style: chr16-88786328-C-T.
Other names: short protein forms V2069M.
Identifiers: ClinVar variation 811669 (VCV000811669.37), dbSNP rs199752762, ClinGen allele CA8231682.
Genomic context (GRCh38, chr16:88,719,920, plus strand): 5'-TGCGGGTGGGGTAGCCGCAGCGGATCTGGTAGGCGGACAGGGCGAAGTAGATGCACTTCA[C>T]GAAGTACCAGAGCTGGGCCACCACATTCTGGTTGAACATCCTGGGGCGGGATGGCCAGGT-3'
Protein context (NP_001136336.2, residues 2059-2079): QNVVAQLWYF[Val2069Met]KCIYFALSAY